The following is an entry in ClinVar:

ClinVar aggregate classification (germline): Uncertain significance (1 of 4 stars; one submission).

Submission:

GeneDx
Classification: Uncertain significance. Last evaluated: 2020-01-13. Review status: criteria provided, single submitter. Criteria: GeneDx Variant Classification Process June 2021. Collection method: clinical testing. Allele origin: germline. Affected: yes.
Comment: Not observed in large population cohorts (Lek et al., 2016); The majority of missense variants in this gene are considered pathogenic (Stenson et al., 2014); In silico analysis, which includes protein predictors and evolutionary conservation, supports that this variant does not alter protein structure/function; Has not been previously published as pathogenic or benign to our knowledge

NM_001184880.2(PCDH19):c.2507A>T (p.Glu836Val)

Genes: PCDH19 (protocadherin 19; minus strand), LOC125467768 (CDK7 strongly-dependent group 2 enhancer GRCh37_chrX:99657381-99658580; plus strand). Cytogenetic location: Xq22.1.
Variant type: single nucleotide variant.
Coding change: c.2507A>T on transcript NM_001184880.2 (MANE Select); coding-DNA position 2507, A replaced by T.
Protein change: p.Glu836Val; replaces glutamic acid 836 with valine.
Molecular consequence: missense variant.
Genome position (GRCh38, 1-based): chrX:100,402,633, T>A on the plus strand (A>T on the coding strand, the complement: PCDH19 is on the minus strand). VCF-style: chrX-100402633-T-A. GRCh37 (hg19) VCF-style: chrX-99657631-T-A.
Other names: c.2366A>T, p.Glu789Val (NM_001105243.2, NM_020766.3); short protein forms E789V, E836V.
Identifiers: ClinVar variation 1311886 (VCV001311886.2), dbSNP rs2147533135, ClinGen allele CA414005645.